The following is an entry in ClinVar:

NM_003972.3(BTAF1):c.1267G>A (p.Val423Ile)

Gene: BTAF1 (B-TFIID TATA-box binding protein associated factor 1; plus strand). Cytogenetic location: 10q23.32.
Variant type: single nucleotide variant.
Coding change: c.1267G>A on transcript NM_003972.3 (MANE Select); coding-DNA position 1267, G replaced by A.
Protein change: p.Val423Ile; replaces valine 423 with isoleucine.
Molecular consequence: missense variant. On other transcripts: non-coding transcript variant (14).
Genome position (GRCh38, 1-based): chr10:91,962,541, G>A. VCF-style: chr10-91962541-G-A. GRCh37 (hg19) VCF-style: chr10-93722298-G-A.
Other names: short protein forms V423I.
Identifiers: ClinVar variation 3778036 (VCV003778036.7).

ClinVar aggregate classification (germline): Likely benign (1 of 4 stars; one submission).

gnomAD v4.1: 378 of 1,531,148 alleles (0.025%); highest among the groups gnomAD compares: Non-Finnish European, 0.0055%; 2 homozygotes.

Submission:

CeGaT Center for Human Genetics Tuebingen
Classification: Likely benign. Last evaluated: 2025-04-01. Review status: criteria provided, single submitter. Criteria: CeGaT Center For Human Genetics Tuebingen Variant Classification Criteria Version 2. Collection method: clinical testing. Allele origin: germline. Affected: yes. Observed: 1 variant allele.
Comment: BTAF1: BP4